The following is an entry in ClinVar:

NM_177924.5(ASAH1):c.666A>G (p.Thr222=)

Gene: ASAH1 (N-acylsphingosine amidohydrolase 1; minus strand). Cytogenetic location: 8p22.
Variant type: single nucleotide variant.
Coding change: c.666A>G on transcript NM_177924.5 (MANE Select); coding-DNA position 666, A replaced by G.
Protein change: p.Thr222=; no amino-acid change (threonine 222 retained).
Molecular consequence: synonymous variant.
Genome position (GRCh38, 1-based): chr8:18,061,723, T>C on the plus strand (A>G on the coding strand, the complement: ASAH1 is on the minus strand). VCF-style: chr8-18061723-T-C. GRCh37 (hg19) VCF-style: chr8-17919232-T-C.
Other names: p.Thr222=; c.648A>G, p.Thr216= (NM_001127505.3); c.471A>G, p.Thr157= (NM_001363743.2); c.714A>G, p.Thr238= (NM_004315.6).
Identifiers: ClinVar variation 772141 (VCV000772141.18), dbSNP rs34475490, ClinGen allele CA4650731.

ClinVar aggregate classification (germline): Benign/Likely benign. Review status: criteria provided, multiple submitters, no conflicts (2 of 4 stars). 5 submissions from 5 submitters: Benign (3); Likely benign (2). Last evaluated 2026-01-31.

Conditions:
Farber lipogranulomatosis (FRBRL). Also called: Farber's disease; Farber disease; Farber's lipogranulomatosis; AC DEFICIENCY; ACID CERAMIDASE DEFICIENCY; CERAMIDASE DEFICIENCY. Identifiers: Orphanet 333, MedGen C0268255, MONDO:0009218, OMIM 228000.

Allele frequency attached by ClinVar (database versions not stated): gnomAD exomes 0.00041 and 0.00117; ExAC 0.00330; gnomAD 0.00457 and 0.00484; 1000 Genomes Project 0.00459; TOPMed 0.00488; 1000 Genomes Project 30x 0.00547; ESP Exome Variant Server 0.00561.
gnomAD v4.1: 1,307 of 1,580,054 alleles (0.083%); highest among the groups gnomAD compares: African/African-American, 1.6%; 6 homozygotes.

Submissions (5):

Labcorp Genetics (formerly Invitae), Labcorp
Classification: Benign. Last evaluated: 2026-01-31. Review status: criteria provided, single submitter. Criteria: Invitae Variant Classification Sherloc (09022015). Collection method: clinical testing. Allele origin: germline.

Mayo Clinic Laboratories, Mayo Clinic
Classification: Benign. Last evaluated: 2025-09-30. Review status: criteria provided, single submitter. Criteria: ACMG Guidelines, 2015. Collection method: clinical testing. Allele origin: germline. Observed: 10 variant alleles.
Comment: BS1, BS2, BP4, BP7

GeneDx
Classification: Likely benign. Last evaluated: 2019-05-18. Review status: criteria provided, single submitter. Criteria: GeneDx Variant Classification Process June 2021. Collection method: clinical testing. Allele origin: germline. Affected: yes.

Illumina Laboratory Services, Illumina
Classification: Benign for Farber lipogranulomatosis. Last evaluated: 2018-01-12. Review status: criteria provided, single submitter. Criteria: ICSL Variant Classification Criteria 13 December 2019. Collection method: clinical testing. Allele origin: germline.
Comment: This variant was observed in the ICSL laboratory as part of a predisposition screen in an ostensibly healthy population. It had not been previously curated by ICSL or reported in the Human Gene Mutation Database (HGMD: prior to June 1st, 2018), and was therefore a candidate for classification through an automated scoring system. Utilizing variant allele frequency, disease prevalence and penetrance estimates, and inheritance mode, an automated score was calculated to assess if this variant is too frequent to cause the disease. Based on the score and internal cut-off values, a variant classified as benign is not then subjected to further curation. The score for this variant resulted in a classification of benign for this disease.

Breakthrough Genomics
Classification: Likely benign. Review status: criteria provided, single submitter. Criteria: ACMG Guidelines, 2015. Collection method: not provided. Allele origin: germline. Inheritance: Autosomal recessive inheritance. Affected: yes.